The following is an entry in ClinVar:

NM_005732.4(RAD50):c.161C>T (p.Thr54Ile)

Gene: RAD50 (RAD50 double strand break repair protein; plus strand). Cytogenetic location: 5q31.1.
Variant type: single nucleotide variant.
Coding change: c.161C>T on transcript NM_005732.4 (MANE Select); coding-DNA position 161, C replaced by T.
Protein change: p.Thr54Ile; replaces threonine 54 with isoleucine.
Molecular consequence: missense variant.
Genome position (GRCh38, 1-based): chr5:132,559,315, C>T. VCF-style: chr5-132559315-C-T. GRCh37 (hg19) VCF-style: chr5-131895007-C-T.
Other names: short protein forms T54I.
Identifiers: ClinVar variation 2873469 (VCV002873469.5), dbSNP rs2479579663, ClinGen allele CA360953391.
Genomic context (GRCh38, chr5:132,559,315, plus strand): 5'-CGAAATAATGTAATTTTCTATTTCTTTAGACCATCATTGAATGTCTAAAATATATTTGTA[C>T]TGGAGATTTCCCTCCTGGAACCAAAGGAAATACATTTGTACACGATCCCAAGGTAATGGT-3'
Protein context (NP_005723.2, residues 44-64): TIIECLKYIC[Thr54Ile]GDFPPGTKGN

ClinVar aggregate classification (germline): Uncertain significance. Review status: criteria provided, multiple submitters, no conflicts (2 of 4 stars). 2 submissions from 2 submitters: Uncertain significance (2). Last evaluated 2025-12-23.

Conditions:
Hereditary cancer-predisposing syndrome. Also called: Neoplastic Syndromes, Hereditary; Tumor predisposition; Hereditary neoplastic syndrome; Hereditary Cancer Syndrome. Identifiers: Orphanet 140162, MedGen C0027672, MeSH D009386, MONDO:0015356.

Submissions (2):

Dasa
Classification: Uncertain significance. Last evaluated: 2025-12-23. Review status: criteria provided, single submitter. Criteria: DASA Assertion Criteria. Collection method: clinical testing. Allele origin: germline.
Comment: NM_005732.4(RAD50):c.161C>T (p.Thr54Ile) is a missense variant that results in the substitution of threonine with isoleucine. This variant is rare in population databases. The currently available literature and clinical evidence are not sufficient to establish a definitive association between this variant and the reported condition. Therefore, this variant is classified as a variant of uncertain significance.

Labcorp Genetics (formerly Invitae), Labcorp
Classification: Uncertain significance for Hereditary cancer-predisposing syndrome. Last evaluated: 2023-01-10. Review status: criteria provided, single submitter. Criteria: Invitae Variant Classification Sherloc (09022015). Collection method: clinical testing. Allele origin: germline.
Comment: In summary, the available evidence is currently insufficient to determine the role of this variant in disease. Therefore, it has been classified as a Variant of Uncertain Significance. Advanced modeling of protein sequence and biophysical properties (such as structural, functional, and spatial information, amino acid conservation, physicochemical variation, residue mobility, and thermodynamic stability) has been performed at Invitae for this missense variant, however the output from this modeling did not meet the statistical confidence thresholds required to predict the impact of this variant on RAD50 protein function. This variant has not been reported in the literature in individuals affected with RAD50-related conditions. This variant is not present in population databases (gnomAD no frequency). This sequence change replaces threonine, which is neutral and polar, with isoleucine, which is neutral and non-polar, at codon 54 of the RAD50 protein (p.Thr54Ile).